The following is an entry in ClinVar:

ClinVar aggregate classification (germline): Likely benign. Review status: criteria provided, single submitter (1 of 4 stars). 2 submissions from 2 submitters: Likely benign (1). 1 of the submissions does not count toward it. Last evaluated 2022-09-12.

Conditions:
SNTA1-related disorder. Also called: SNTA1-related condition.
Cardiovascular phenotype. Identifiers: MedGen CN230736.

Allele frequency attached by ClinVar (database versions not stated): gnomAD exomes 0.00001; TOPMed 0.00001.
gnomAD v4.1: 21 of 1,614,196 alleles (0.0013%); highest among the groups gnomAD compares: East Asian, 0.027%; no homozygotes.

Submissions (2):

Ambry Genetics
Classification: Likely benign for Cardiovascular phenotype. Last evaluated: 2022-09-12. Review status: criteria provided, single submitter. Criteria: Ambry Variant Classification Scheme 2023. Collection method: clinical testing. Allele origin: germline.

PreventionGenetics, part of Exact Sciences
Classification: Likely benign for SNTA1-related condition. Last evaluated: 2021-03-22. Review status: no assertion criteria provided. Collection method: clinical testing. Allele origin: germline. Not counted in ClinVar's aggregate classification.
Comment: This variant is classified as likely benign based on ACMG/AMP sequence variant interpretation guidelines (Richards et al. 2015 PMID: 25741868, with internal and published modifications).

NM_003098.3(SNTA1):c.456G>A (p.Val152=)

Gene: SNTA1 (syntrophin alpha 1; minus strand). Cytogenetic location: 20q11.21.
Variant type: single nucleotide variant.
Coding change: c.456G>A on transcript NM_003098.3 (MANE Select); coding-DNA position 456, G replaced by A.
Protein change: p.Val152=; no amino-acid change (valine 152 retained).
Molecular consequence: synonymous variant.
Genome position (GRCh38, 1-based): chr20:33,438,881, C>T on the plus strand (G>A on the coding strand, the complement: SNTA1 is on the minus strand). VCF-style: chr20-33438881-C-T. GRCh37 (hg19) VCF-style: chr20-32026687-C-T.
Identifiers: ClinVar variation 1741549 (VCV001741549.4), dbSNP rs1990508951, ClinGen allele CA510252189.
Genomic context (GRCh38, chr20:33,438,881, plus strand): 5'-CCTGGAACGTCAGTGCTTACCCTCCAGCACCACCTCCTTGCCTGTCTTCTTGAGGACCTG[C>T]ACCGCCTCATCATGGGTAGCAGAGGACAAGTCTTCCCCATTCACAGACAGGATGGCATCC-3'
Protein context (NP_003089.1, residues 142-162): DLSSATHDEA[Val152=]QVLKKTGKEV